The following is an entry in ClinVar:

ClinVar aggregate classification (germline): Uncertain significance (1 of 4 stars; one submission).

Allele frequency attached by ClinVar (database versions not stated): 1000 Genomes Project 0.00020; TOPMed below 0.00001; gnomAD 0.00001; 1000 Genomes Project 30x 0.00016.
gnomAD v4.1: 4 of 1,609,128 alleles (0.00025%); highest among the groups gnomAD compares: African/African-American, 0.0053%; no homozygotes.

Submission:

Ambry Genetics
Classification: Uncertain significance. Last evaluated: 2025-07-17. Review status: criteria provided, single submitter. Criteria: Ambry Variant Classification Scheme 2023. Collection method: clinical testing. Allele origin: germline.
Comment: The p.L780V variant (also known as c.2338C>G), located in coding exon 15 of the RINT1 gene, results from a C to G substitution at nucleotide position 2338. The leucine at codon 780 is replaced by valine, an amino acid with highly similar properties. This amino acid position is highly conserved in available vertebrate species. In addition, the in silico prediction for this alteration is inconclusive. Since supporting evidence is limited at this time, the clinical significance of this alteration remains unclear.

NM_021930.6(RINT1):c.2338C>G (p.Leu780Val)

Genes: EFCAB10 (EF-hand calcium binding domain 10; minus strand), RINT1 (RAD50 interactor 1; plus strand). Cytogenetic location: 7q22.3.
Variant type: single nucleotide variant.
Coding change: c.2338C>G on transcript NM_021930.6 (MANE Select); coding-DNA position 2338, C replaced by G.
Protein change: p.Leu780Val; replaces leucine 780 with valine.
Molecular consequence: missense variant. On other transcripts: 3 prime UTR variant (2), non-coding transcript variant (1), intron variant (3).
Genome position (GRCh38, 1-based): chr7:105,567,270, C>G. VCF-style: chr7-105567270-C-G. GRCh37 (hg19) VCF-style: chr7-105207717-C-G.
Other names: c.*184G>C (NM_001355527.2, NM_001355529.2); c.2104C>G, p.Leu702Val (NM_001346599.2); c.1315C>G, p.Leu439Val (NM_001346600.2, NM_001346603.2); c.1414C>G, p.Leu472Val (NM_001346601.2); c.360-1823G>C (NM_001355531.2); c.383+197G>C (NM_001355526.2, NM_001355530.2); short protein forms L472V, L702V, L439V, L780V.
Identifiers: ClinVar variation 1789800 (VCV001789800.4), dbSNP rs540318781, ClinGen allele CA164069281.